The following is an entry in ClinVar:

ClinVar aggregate classification (germline): Likely benign (1 of 4 stars; one submission).

Conditions:
SEMA3A-related disorder. Also called: SEMA3A-related condition.

Submission:

PreventionGenetics, part of Exact Sciences
Classification: Likely benign for SEMA3A-related condition. Last evaluated: 2026-07-15. Review status: criteria provided, single submitter. Criteria: ACMG Guidelines, 2015. Collection method: clinical testing. Allele origin: germline.
Comment: This variant is classified as likely benign based on ACMG/AMP sequence variant interpretation guidelines (Richards et al. 2015 PMID: 25741868, with internal and published modifications).

NM_006080.3(SEMA3A):c.1719T>C (p.Asp573=)

Gene: SEMA3A (semaphorin 3A; minus strand). Cytogenetic location: 7q21.11.
Variant type: single nucleotide variant.
Coding change: c.1719T>C on transcript NM_006080.3 (MANE Select); coding-DNA position 1719, T replaced by C.
Protein change: p.Asp573=; no amino-acid change (aspartic acid 573 retained).
Molecular consequence: synonymous variant.
Genome position (GRCh38, 1-based): chr7:83,963,346, A>G on the plus strand (T>C on the coding strand, the complement: SEMA3A is on the minus strand). VCF-style: chr7-83963346-A-G. GRCh37 (hg19) VCF-style: chr7-83592662-A-G.
Identifiers: ClinVar variation 4997133 (VCV004997133.1).